The following is an entry in ClinVar:

ClinVar aggregate classification (germline): Uncertain significance (1 of 4 stars; one submission).

Conditions:
Hereditary spastic paraplegia 75. Also called: Spastic paraplegia 75, autosomal recessive. Identifiers: Orphanet 459056, MedGen C4225250, MONDO:0014729, OMIM 616680.

Submission:

Baylor Genetics
Classification: Uncertain significance for Hereditary spastic paraplegia 75. Last evaluated: 2020-02-05. Review status: criteria provided, single submitter. Criteria: ACMG Guidelines, 2015. Collection method: clinical testing. Allele origin: unknown. Affected: yes.
Comment: This variant was determined to be of uncertain significance according to ACMG Guidelines, 2015 [PMID:25741868].

NM_002361.4(MAG):c.795C>A (p.Ser265Arg)

Gene: MAG (myelin associated glycoprotein; plus strand). Cytogenetic location: 19q13.12.
Variant type: single nucleotide variant.
Coding change: c.795C>A on transcript NM_002361.4 (MANE Select); coding-DNA position 795, C replaced by A.
Protein change: p.Ser265Arg; replaces serine 265 with arginine.
Molecular consequence: missense variant.
Genome position (GRCh38, 1-based): chr19:35,300,229, C>A. VCF-style: chr19-35300229-C-A. GRCh37 (hg19) VCF-style: chr19-35791132-C-A.
Other names: c.720C>A, p.Ser240Arg (NM_001199216.2); c.795C>A, p.Ser265Arg (NM_080600.3); short protein forms S265R, S240R.
Identifiers: ClinVar variation 1029592 (VCV001029592.1), dbSNP rs2066438141, ClinGen allele CA405310524.